The following is an entry in ClinVar:

NM_004168.4(SDHA):c.1300G>C (p.Gly434Arg)

Gene: SDHA (succinate dehydrogenase complex flavoprotein subunit A; plus strand). Cytogenetic location: 5p15.33.
Variant type: single nucleotide variant.
Coding change: c.1300G>C on transcript NM_004168.4 (MANE Select); coding-DNA position 1300, G replaced by C.
Protein change: p.Gly434Arg; replaces glycine 434 with arginine.
Molecular consequence: missense variant.
Genome position (GRCh38, 1-based): chr5:236,467, G>C. VCF-style: chr5-236467-G-C. GRCh37 (hg19) VCF-style: chr5-236582-G-C.
Other names: c.1156G>C, p.Gly386Arg (NM_001294332.2); c.1300G>C, p.Gly434Arg (NM_001330758.2); short protein forms G434R, G386R.
Identifiers: ClinVar variation 1388862 (VCV001388862.6), dbSNP rs529198317, ClinGen allele CA359013879.

ClinVar aggregate classification (germline): Uncertain significance (1 of 4 stars; one submission).

Conditions:
Mitochondrial complex II deficiency, nuclear type 1. Also called: SUCCINATE CoQ REDUCTASE DEFICIENCY. Identifiers: Orphanet 3208, MedGen C5700310, MONDO:0100294, OMIM 252011.
Pheochromocytoma/paraganglioma syndrome 5. Also called: Paragangliomas 5; SDHA-Related Hereditary Paraganglioma-Pheochromocytoma Syndrome. Identifiers: Orphanet 29072, MedGen C3279992, MONDO:0013602, OMIM 614165.

Submission:

Labcorp Genetics (formerly Invitae), Labcorp
Classification: Uncertain significance for Pheochromocytoma/paraganglioma syndrome 5; Mitochondrial complex II deficiency, nuclear type 1. Last evaluated: 2024-04-10. Review status: criteria provided, single submitter. Criteria: Invitae Variant Classification Sherloc (09022015). Collection method: clinical testing. Allele origin: germline.
Comment: This sequence change replaces glycine, which is neutral and non-polar, with arginine, which is basic and polar, at codon 434 of the SDHA protein (p.Gly434Arg). This variant is not present in population databases (gnomAD no frequency). This variant has not been reported in the literature in individuals affected with SDHA-related conditions. ClinVar contains an entry for this variant (Variation ID: 1388862). Advanced modeling of protein sequence and biophysical properties (such as structural, functional, and spatial information, amino acid conservation, physicochemical variation, residue mobility, and thermodynamic stability) has been performed at Invitae for this missense variant, however the output from this modeling did not meet the statistical confidence thresholds required to predict the impact of this variant on SDHA protein function. In summary, the available evidence is currently insufficient to determine the role of this variant in disease. Therefore, it has been classified as a Variant of Uncertain Significance.